The following is an entry in ClinVar:

ClinVar aggregate classification (germline): Uncertain significance (1 of 4 stars; one submission).

Conditions:
Kleefstra syndrome 1 (KLEFS1). Identifiers: Orphanet 261494, MedGen C0795833, MONDO:0027407, OMIM 610253.

Submission:

Labcorp Genetics (formerly Invitae), Labcorp
Classification: Uncertain significance for Kleefstra syndrome 1. Last evaluated: 2022-12-31. Review status: criteria provided, single submitter. Criteria: Invitae Variant Classification Sherloc (09022015). Collection method: clinical testing. Allele origin: germline.
Comment: This sequence change replaces glycine, which is neutral and non-polar, with aspartic acid, which is acidic and polar, at codon 687 of the EHMT1 protein (p.Gly687Asp). This variant is not present in population databases (gnomAD no frequency). This variant has not been reported in the literature in individuals affected with EHMT1-related conditions. ClinVar contains an entry for this variant (Variation ID: 944469). Advanced modeling of protein sequence and biophysical properties (such as structural, functional, and spatial information, amino acid conservation, physicochemical variation, residue mobility, and thermodynamic stability) performed at Invitae indicates that this missense variant is not expected to disrupt EHMT1 protein function. In summary, the available evidence is currently insufficient to determine the role of this variant in disease. Therefore, it has been classified as a Variant of Uncertain Significance.

NM_024757.5(EHMT1):c.2060G>A (p.Gly687Asp)

Gene: EHMT1 (euchromatic histone lysine methyltransferase 1; plus strand). Cytogenetic location: 9q34.3.
Variant type: single nucleotide variant.
Coding change: c.2060G>A on transcript NM_024757.5 (MANE Select); coding-DNA position 2060, G replaced by A.
Protein change: p.Gly687Asp; replaces glycine 687 with aspartic acid.
Molecular consequence: missense variant.
Genome position (GRCh38, 1-based): chr9:137,777,923, G>A. VCF-style: chr9-137777923-G-A. GRCh37 (hg19) VCF-style: chr9-140672375-G-A.
Other names: c.2060G>A, p.Gly687Asp (NM_001145527.2); c.1967G>A, p.Gly656Asp (NM_001354259.2); c.2039G>A, p.Gly680Asp (NM_001354263.2); short protein forms G680D, G656D, G687D.
Identifiers: ClinVar variation 944469 (VCV000944469.10), dbSNP rs748545367, ClinGen allele CA375778393.